The following is an entry in ClinVar:

ClinVar aggregate classification (germline): Pathogenic (1 of 4 stars; one submission).

Conditions:
Congenital muscular hypertrophy-cerebral syndrome (CDLS2). Also called: SMC1A-Related Cornelia de Lange Syndrome; Cornelia de Lange syndrome 2. Identifiers: Orphanet 199, MedGen C1802395, MONDO:0010370, OMIM 300590.

Submission:

3billion
Classification: Pathogenic for Congenital muscular hypertrophy-cerebral syndrome. Last evaluated: 2021-10-02. Review status: criteria provided, single submitter. Criteria: ACMG Guidelines, 2015. Collection method: clinical testing. Allele origin: maternal. Affected: yes. Observed: 1 heterozygote.
Comment: Frameshift: predicted to result in a loss or disruption of normal protein function through nonsense-mediated decay (NMD) or protein truncation. Multiple pathogenic variants are reported downstream of the variant (PVS1_VS). It is not observed in the gnomAD v2.1.1 dataset (PM2). Patient's phenotype is considered compatible with Cornelia de Lange syndrome 2 (3billion dataset, PP4). Therefore, this variant is classified as pathogenic according to the recommendation of ACMG/AMP guideline.

NM_006306.4(SMC1A):c.109+575dup

Gene: SMC1A (structural maintenance of chromosomes 1A; minus strand). Cytogenetic location: Xp11.22.
Variant type: Duplication.
Coding change: c.109+575dup on transcript NM_006306.4 (MANE Select); 575 bases into the intron after coding-DNA position 109, one base duplicated (C; older notation c.109+575dupC).
Molecular consequence: intron variant. On other transcripts: frameshift variant (1).
Genome position (GRCh38, 1-based): chrX:53,421,917, G duplicated on the plus strand (C on the coding strand, the reverse complement: SMC1A is on the minus strand); the first of 4 consecutive G bases (chrX:53,421,917-53,421,920); duplicating any one gives the same sequence. VCF-style (leftmost placement, unchanged base first): chrX-53421916-T-TG. GRCh37 (hg19) VCF-style: chrX-53448866-T-TG.
Other names: c.21dup, p.Thr8fs (NM_001281463.1); short protein forms T8fs.
Identifiers: ClinVar variation 1320145 (VCV001320145.1), dbSNP rs2075758478, ClinGen allele CA2573055366.